The following is an entry in ClinVar:

NM_017617.5(NOTCH1):c.4961C>A (p.Pro1654His)

Gene: NOTCH1 (notch receptor 1; minus strand). Cytogenetic location: 9q34.3.
Variant type: single nucleotide variant.
Coding change: c.4961C>A on transcript NM_017617.5 (MANE Select); coding-DNA position 4961, C replaced by A.
Protein change: p.Pro1654His; replaces proline 1654 with histidine.
Molecular consequence: missense variant.
Genome position (GRCh38, 1-based): chr9:136,504,730, G>T on the plus strand (C>A on the coding strand, the complement: NOTCH1 is on the minus strand). VCF-style: chr9-136504730-G-T. GRCh37 (hg19) VCF-style: chr9-139399182-G-T.
Other names: short protein forms P1654H.
Identifiers: ClinVar variation 1479241 (VCV001479241.8), dbSNP rs1381525257, ClinGen allele CA375644221.

ClinVar aggregate classification (germline): Uncertain significance (1 of 4 stars; one submission).

Conditions:
Adams-Oliver syndrome 5 (AOS5). Identifiers: Orphanet 974, MedGen C4014970, MONDO:0014459, OMIM 616028.

Submission:

Labcorp Genetics (formerly Invitae), Labcorp
Classification: Uncertain significance for Adams-Oliver syndrome 5. Last evaluated: 2022-07-11. Review status: criteria provided, single submitter. Criteria: Invitae Variant Classification Sherloc (09022015). Collection method: clinical testing. Allele origin: germline.
Comment: ClinVar contains an entry for this variant (Variation ID: 1479241). This variant has not been reported in the literature in individuals affected with NOTCH1-related conditions. This variant is not present in population databases (gnomAD no frequency). This sequence change replaces proline, which is neutral and non-polar, with histidine, which is basic and polar, at codon 1654 of the NOTCH1 protein (p.Pro1654His). Advanced modeling of protein sequence and biophysical properties (such as structural, functional, and spatial information, amino acid conservation, physicochemical variation, residue mobility, and thermodynamic stability) performed at Invitae indicates that this missense variant is not expected to disrupt NOTCH1 protein function. In summary, the available evidence is currently insufficient to determine the role of this variant in disease. Therefore, it has been classified as a Variant of Uncertain Significance.